The following is an entry in ClinVar:

ClinVar aggregate classification (germline): Uncertain significance (1 of 4 stars; one submission).

Submission:

GeneDx
Classification: Uncertain significance. Last evaluated: 2025-04-17. Review status: criteria provided, single submitter. Criteria: GeneDx Variant Classification Process June 2021. Collection method: clinical testing. Allele origin: germline. Affected: yes.
Comment: In-frame duplication of 1 amino acid in a non-repeat region; Has not been previously published as pathogenic or benign to our knowledge

NM_001371623.1(TCOF1):c.4087AAG[6] (p.Lys1367_Leu1368insLys)

Gene: TCOF1 (treacle ribosome biogenesis factor 1; plus strand). Cytogenetic location: 5q32.
Variant type: Microsatellite.
Coding change: c.4087AAG[6] on transcript NM_001371623.1 (MANE Select); six copies in a row of the 3-base unit AAG starting at c.4087; the reference has five copies in a row; one copy, 3 bases duplicated.
Protein change: p.Lys1367_Leu1368insLys.
Molecular consequence: inframe insertion.
Genome position (GRCh38, 1-based): chr5:150,396,596-150,396,598, AAG duplicated; duplicating any 3 consecutive bases within chr5:150,396,584-150,396,598 gives the same sequence; the position shown is the placement nearest the transcript's 3' end. VCF-style (leftmost placement, unchanged base first): chr5-150396583-C-CAAG. GRCh37 (hg19) VCF-style: chr5-149776146-C-CAAG.
Other names: c.3853AAG[6], p.Lys1289_Leu1290insLys (NM_000356.4, NM_001437406.1); c.4084AAG[6], p.Lys1366_Leu1367insLys (NM_001135243.2); c.3973AAG[6], p.Lys1329_Leu1330insLys (NM_001135244.2); c.3856AAG[6], p.Lys1290_Leu1291insLys (NM_001135245.2); c.3970AAG[6], p.Lys1328_Leu1329insLys (NM_001195141.2).
Identifiers: ClinVar variation 4282261 (VCV004282261.1).
Genomic context (GRCh38, chr5:150,396,583, plus strand): 5'-CTGGGAGAGCCGCAAGCGGAAGCTATCGGGAGACCAGCCAGCTGCCAGGACCCCCAGGAG[C>CAAG]AAGAAGAAGAAGAAGCTGGGGGCCGGGGAAGGTGGGGAGGCCTCTGTTTCCCCAGAAAAG-3'